The following is an entry in ClinVar:

ClinVar aggregate classification (germline): Uncertain significance (1 of 4 stars; one submission).

gnomAD v4.1: 1 of 1,614,128 alleles (0.000062%); highest among the groups gnomAD compares: Non-Finnish European, 0.000085%; no homozygotes.

Submission:

Labcorp Genetics (formerly Invitae), Labcorp
Classification: Uncertain significance. Last evaluated: 2024-10-07. Review status: criteria provided, single submitter. Criteria: Invitae Variant Classification Sherloc (09022015). Collection method: clinical testing. Allele origin: germline.
Comment: This sequence change replaces aspartic acid, which is acidic and polar, with glutamic acid, which is acidic and polar, at codon 372 of the POLR3A protein (p.Asp372Glu). This variant is not present in population databases (gnomAD no frequency). This variant has not been reported in the literature in individuals affected with POLR3A-related conditions. ClinVar contains an entry for this variant (Variation ID: 2011598). Invitae Evidence Modeling of protein sequence and biophysical properties (such as structural, functional, and spatial information, amino acid conservation, physicochemical variation, residue mobility, and thermodynamic stability) indicates that this missense variant is expected to disrupt POLR3A protein function with a positive predictive value of 80%. In summary, the available evidence is currently insufficient to determine the role of this variant in disease. Therefore, it has been classified as a Variant of Uncertain Significance.

NM_007055.4(POLR3A):c.1116C>A (p.Asp372Glu)

Gene: POLR3A (RNA polymerase III subunit A; minus strand). Cytogenetic location: 10q22.3.
Variant type: single nucleotide variant.
Coding change: c.1116C>A on transcript NM_007055.4 (MANE Select); coding-DNA position 1116, C replaced by A.
Protein change: p.Asp372Glu; replaces aspartic acid 372 with glutamic acid.
Molecular consequence: missense variant.
Genome position (GRCh38, 1-based): chr10:78,021,615, G>T on the plus strand (C>A on the coding strand, the complement: POLR3A is on the minus strand). VCF-style: chr10-78021615-G-T. GRCh37 (hg19) VCF-style: chr10-79781373-G-T.
Other names: short protein forms D372E.
Identifiers: ClinVar variation 2011598 (VCV002011598.4), dbSNP rs1847580430, ClinGen allele CA377344091.